The following is an entry in ClinVar:

NM_005896.4(IDH1):c.866G>T (p.Gly289Val)

Gene: IDH1 (isocitrate dehydrogenase (NADP(+)) 1; minus strand). Cytogenetic location: 2q34.
Variant type: single nucleotide variant.
Coding change: c.866G>T on transcript NM_005896.4 (MANE Select); coding-DNA position 866, G replaced by T.
Protein change: p.Gly289Val; replaces glycine 289 with valine.
Molecular consequence: missense variant.
Genome position (GRCh38, 1-based): chr2:208,239,988, C>A on the plus strand (G>T on the coding strand, the complement: IDH1 is on the minus strand). VCF-style: chr2-208239988-C-A. GRCh37 (hg19) VCF-style: chr2-209104712-C-A.
Other names: c.866G>T, p.Gly289Val (NM_001282386.1, NM_001282387.1); short protein forms G289V.
Identifiers: ClinVar variation 1764242 (VCV001764242.3), dbSNP rs1442458731, ClinGen allele CA350095532.
Genomic context (GRCh38, chr2:208,239,988, plus strand): 5'-TGGGCAGCCTCTGCTTCTACTGTCTTGCCATCTGGACAAACCAGCACGCTGGTCATCATG[C>A]CGAGAGAGCCATACCCTGTAAGTAGTGGAGCATGAAGCGTTGGGTCCAACTGCATGAAGA-3'
Protein context (NP_005887.2, residues 279-299): DSVAQGYGSL[Gly289Val]MMTSVLVCPD

ClinVar aggregate classification (germline): Uncertain significance (1 of 4 stars; one submission).

Submission:

Ambry Genetics
Classification: Uncertain significance. Last evaluated: 2024-07-13. Review status: criteria provided, single submitter. Criteria: Ambry Variant Classification Scheme 2023. Collection method: clinical testing. Allele origin: germline.
Comment: The p.G289V variant (also known as c.866G>T), located in coding exon 6 of the IDH1 gene, results from a G to T substitution at nucleotide position 866. The glycine at codon 289 is replaced by valine, an amino acid with dissimilar properties. This amino acid position is conserved. In addition, this alteration is predicted to be deleterious by in silico analysis. Since supporting evidence is limited at this time, the clinical significance of this alteration remains unclear.